The following is an entry in ClinVar:

ClinVar aggregate classification (germline): Likely benign (1 of 4 stars; one submission).

Conditions:
CDK20-related disorder. Also called: CDK20-related condition.

Submission:

PreventionGenetics, part of Exact Sciences
Classification: Likely benign for CDK20-related condition. Last evaluated: 2025-01-22. Review status: criteria provided, single submitter. Criteria: ACMG Guidelines, 2015. Collection method: clinical testing. Allele origin: germline.
Comment: This variant is classified as likely benign based on ACMG/AMP sequence variant interpretation guidelines (Richards et al. 2015 PMID: 25741868, with internal and published modifications).

NM_001039803.3(CDK20):c.948G>C (p.Gly316=)

Gene: CDK20 (cyclin dependent kinase 20; minus strand). Cytogenetic location: 9q22.1.
Variant type: single nucleotide variant.
Coding change: c.948G>C on transcript NM_001039803.3 (MANE Select); coding-DNA position 948, G replaced by C.
Protein change: p.Gly316=; no amino-acid change (glycine 316 retained).
Molecular consequence: synonymous variant. On other transcripts: 3 prime UTR variant (2).
Genome position (GRCh38, 1-based): chr9:87,967,555, C>G on the plus strand (G>C on the coding strand, the complement: CDK20 is on the minus strand). VCF-style: chr9-87967555-C-G. GRCh37 (hg19) VCF-style: chr9-90582470-C-G.
Other names: c.*29G>C (NM_001170639.2, NM_001170640.2); c.885G>C, p.Gly295= (NM_012119.5); c.924G>C, p.Gly308= (NM_178432.4).
Identifiers: ClinVar variation 4983021 (VCV004983021.1).